The following is an entry in ClinVar:

NM_000540.3(RYR1):c.12443A>G (p.Asn4148Ser)

Gene: RYR1 (ryanodine receptor 1; plus strand). Cytogenetic location: 19q13.2.
Variant type: single nucleotide variant.
Coding change: c.12443A>G on transcript NM_000540.3 (MANE Select); coding-DNA position 12443, A replaced by G.
Protein change: p.Asn4148Ser; replaces asparagine 4148 with serine.
Molecular consequence: missense variant.
Genome position (GRCh38, 1-based): chr19:38,561,273, A>G. VCF-style: chr19-38561273-A-G. GRCh37 (hg19) VCF-style: chr19-39051913-A-G.
Other names: c.12428A>G, p.Asn4143Ser (NM_001042723.2); short protein forms N4143S, N4148S.
Identifiers: ClinVar variation 3071435 (VCV003071435.1), dbSNP rs1213878810, ClinGen allele CA405668916.

ClinVar aggregate classification (germline): Uncertain significance (1 of 4 stars; one submission).

Conditions:
Malignant hyperthermia, susceptibility to, 1 (MHS1). Also called: Anesthesia related hyperthermia; Malignant hyperpyrexia; Fulminating hyperpyrexia; Pharmacogenic myopathy; RYR1-Related Malignant Hyperthermia Susceptibility; Malignant hyperthermia suceptibility 1. Identifiers: Orphanet 423, MedGen C2930980, MONDO:0007783, OMIM 145600.

Allele frequency attached by ClinVar (database versions not stated): gnomAD exomes below 0.00001.
gnomAD v4.1: 1 of 1,614,034 alleles (0.000062%); highest among the groups gnomAD compares: East Asian, 0.0022%; no homozygotes.

Submission:

All of Us Research Program, National Institutes of Health
Classification: Uncertain significance for Malignant hyperthermia, susceptibility to, 1. Last evaluated: 2023-05-31. Review status: criteria provided, single submitter. Criteria: ACMG Guidelines, 2015. Collection method: clinical testing. Allele origin: germline. Inheritance: Autosomal dominant inheritance. Observed: 1 variant allele, 1 heterozygote.
Comment: This study involves interpretation of variants in research participants for the purpose of population health screening. Participant phenotype was not available at the time of variant classification. Additional details can be found in publication PMID: 35346344, PMCID: PMC8962531